The following is an entry in ClinVar:

ClinVar aggregate classification (germline): Conflicting classifications of pathogenicity. Review status: criteria provided, conflicting classifications (1 of 4 stars). 4 submissions from 4 submitters: Uncertain significance (2); Benign (1); Likely benign (1). Last evaluated 2025-09-10.

Conditions:
Hereditary cancer-predisposing syndrome. Also called: Neoplastic Syndromes, Hereditary; Hereditary neoplastic syndrome; Tumor predisposition; Hereditary Cancer Syndrome. Identifiers: Orphanet 140162, MedGen C0027672, MeSH D009386, MONDO:0015356.
Hereditary breast ovarian cancer syndrome. Also called: Hereditary breast and/or ovarian cancer syndrome; Hereditary breast and ovarian cancer syndrome (HBOC); Breast and ovarian cancer; Hereditary breast and ovarian cancer syndrome; BRCA1- and BRCA2-Associated Hereditary Breast and Ovarian Cancer; Hereditary breast and ovarian cancer. Identifiers: Orphanet 145, MedGen C0677776, MeSH D061325, MONDO:0003582. Disease mechanism: loss of function.
Breast-ovarian cancer, familial, susceptibility to, 2 (BROVCA2). Also called: BRCA2 Hereditary Breast and Ovarian Cancer. Identifiers: Orphanet 145, MedGen C2675520, MONDO:0012933, OMIM 612555. Disease mechanism: loss of function.

Allele frequency attached by ClinVar (database versions not stated): gnomAD exomes below 0.00001; ExAC 0.00001; gnomAD 0.00001; 1000 Genomes Project 30x 0.00016; 1000 Genomes Project 0.00020.
gnomAD v4.1: 1 of 1,613,978 alleles (0.000062%); highest among the groups gnomAD compares: East Asian, 0.0022%; no homozygotes.

Submissions (4):

Ambry Genetics
Classification: Uncertain significance for Hereditary cancer-predisposing syndrome. Last evaluated: 2025-09-10. Review status: criteria provided, single submitter. Criteria: Ambry Variant Classification Scheme 2023. Collection method: clinical testing. Allele origin: germline.
Comment: The p.C2256R variant (also known as c.6766T>C), located in coding exon 10 of the BRCA2 gene, results from a T to C substitution at nucleotide position 6766. The cysteine at codon 2256 is replaced by arginine, an amino acid with highly dissimilar properties. This amino acid position is conserved. In addition, the in silico prediction for this alteration is inconclusive. Since supporting evidence is limited at this time, the clinical significance of this alteration remains unclear.

Labcorp Genetics (formerly Invitae), Labcorp
Classification: Uncertain significance for Hereditary breast ovarian cancer syndrome. Last evaluated: 2024-01-10. Review status: criteria provided, single submitter. Criteria: Invitae Variant Classification Sherloc (09022015). Collection method: clinical testing. Allele origin: germline.
Comment: This sequence change replaces cysteine, which is neutral and slightly polar, with arginine, which is basic and polar, at codon 2256 of the BRCA2 protein (p.Cys2256Arg). This variant is present in population databases (rs559106452, gnomAD 0.006%). This variant has not been reported in the literature in individuals affected with BRCA2-related conditions. ClinVar contains an entry for this variant (Variation ID: 662390). Advanced modeling of protein sequence and biophysical properties (such as structural, functional, and spatial information, amino acid conservation, physicochemical variation, residue mobility, and thermodynamic stability) performed at Invitae indicates that this missense variant is not expected to disrupt BRCA2 protein function with a negative predictive value of 95%. In summary, the available evidence is currently insufficient to determine the role of this variant in disease. Therefore, it has been classified as a Variant of Uncertain Significance.

University of Washington Department of Laboratory Medicine, University of Washington
Classification: Likely benign for Hereditary cancer-predisposing syndrome. Last evaluated: 2023-03-23. Review status: criteria provided, single submitter. Criteria: Dines et al. (Genet Med. 2020). Collection method: curation. Allele origin: germline.
Comment: Missense variant in a coldspot region where missense variants are very unlikely to be pathogenic (PMID:31911673).

BRCA2 exon 11 coldspot. Reclassification based on statistical prior probability.

Dipartimento Di Medicina Di Precisione, Università Degli Studi Della Campania Luigi Vanvitelli
Classification: Benign for Breast-ovarian cancer, familial, susceptibility to, 2. Review status: criteria provided, single submitter. Criteria: ACMG Guidelines, 2015. Collection method: clinical testing. Allele origin: germline. Inheritance: Autosomal dominant inheritance. Affected: yes. Observed: 1 heterozygote.
Comment: The BRCA2 c.6766T>C (p.Cys2256Arg) variant was initially classified as a Variant of Uncertain Significance (VUS). However, a recent study involving 280 patients with suspected Hereditary Breast and Ovarian Cancer (HBOC) used multigene panel testing (including BRCA2) and in silico tools to reassess VUS and potentially pathogenic variants, leading to the reclassification of approximately 1.8% of them as likely benign. In this context, our in silico analysis (Align-GVGD, SIFT, PolyPhen-2, CADD) did not indicate any significant functional impact of the p.Cys2256Arg substitution. Therefore, according to ACMG guidelines, the variant has been reclassified as benign.

Literature cited by the submitters: DOI 10.3390/ijms26135928 (cited by Dipartimento Di Medicina Di Precisione, Università Degli Studi Della Campania Luigi Vanvitelli).

NM_000059.4(BRCA2):c.6766T>C (p.Cys2256Arg)

Gene: BRCA2 (BRCA2 DNA repair associated; plus strand). Cytogenetic location: 13q13.1.
Variant type: single nucleotide variant.
Coding change: c.6766T>C on transcript NM_000059.4 (MANE Select); coding-DNA position 6766, T replaced by C.
Protein change: p.Cys2256Arg; replaces cysteine 2256 with arginine.
Molecular consequence: missense variant.
Genome position (GRCh38, 1-based): chr13:32,341,121, T>C. VCF-style: chr13-32341121-T-C. GRCh37 (hg19) VCF-style: chr13-32915258-T-C.
Other names: (p.Cys2256Arg); short protein forms C2256R.
Identifiers: ClinVar variation 662390 (VCV000662390.14), dbSNP rs559106452, ClinGen allele CA6940981.